The following is an entry in ClinVar:

ClinVar aggregate classification (germline): Likely benign (0 of 4 stars; one submission).

Conditions:
LRPAP1-related disorder. Also called: LRPAP1-related condition.

Allele frequency attached by ClinVar (database versions not stated): 1000 Genomes Project 0.00240; 1000 Genomes Project 30x 0.00250; TOPMed 0.00336; gnomAD 0.00364; ESP Exome Variant Server 0.00454; gnomAD exomes 0.00499; ExAC 0.00536.
gnomAD v4.1: 7,749 of 1,609,468 alleles (0.48%); highest among the groups gnomAD compares: Non-Finnish European, 0.6%; 29 homozygotes.

Submission:

PreventionGenetics, part of Exact Sciences
Classification: Likely benign for LRPAP1-related condition. Last evaluated: 2023-08-08. Review status: no assertion criteria provided. Collection method: clinical testing. Allele origin: germline.
Comment: This variant is classified as likely benign based on ACMG/AMP sequence variant interpretation guidelines (Richards et al. 2015 PMID: 25741868, with internal and published modifications).

NM_002337.4(LRPAP1):c.*5A>G

Gene: LRPAP1 (LDL receptor related protein associated protein 1; minus strand). Cytogenetic location: 4p16.3.
Variant type: single nucleotide variant.
Coding change: c.*5A>G on transcript NM_002337.4 (MANE Select); 5 bases downstream of the stop codon, A replaced by G.
Molecular consequence: 3 prime UTR variant. On other transcripts: non-coding transcript variant (1).
Genome position (GRCh38, 1-based): chr4:3,512,969, T>C on the plus strand (A>G on the coding strand, the complement: LRPAP1 is on the minus strand). VCF-style: chr4-3512969-T-C. GRCh37 (hg19) VCF-style: chr4-3514696-T-C.
Identifiers: ClinVar variation 3041339 (VCV003041339.2), dbSNP rs148120809, ClinGen allele CA2829681.